The following is an entry in ClinVar:

NM_001113378.2(FANCI):c.2766C>G (p.Phe922Leu)

Gene: FANCI (FA complementation group I; plus strand). Cytogenetic location: 15q26.1.
Variant type: single nucleotide variant.
Coding change: c.2766C>G on transcript NM_001113378.2 (MANE Select); coding-DNA position 2766, C replaced by G.
Protein change: p.Phe922Leu; replaces phenylalanine 922 with leucine.
Molecular consequence: missense variant.
Genome position (GRCh38, 1-based): chr15:89,299,929, C>G. VCF-style: chr15-89299929-C-G. GRCh37 (hg19) VCF-style: chr15-89843160-C-G.
Other names: c.2487C>G, p.Phe829Leu (NM_001376910.1); c.2766C>G, p.Phe922Leu (NM_001376911.1); c.2586C>G, p.Phe862Leu (NM_018193.3); short protein forms F829L, F862L, F922L.
Identifiers: ClinVar variation 1472029 (VCV001472029.6), dbSNP rs2054464932, ClinGen allele CA393737141.
Genomic context (GRCh38, chr15:89,299,929, plus strand): 5'-GAGCATCTCACTGCTGTGCTTGGAGGGTTTACAGAAAATATTCAGTGCTGTGCAACAGTT[C>G]TATCAGCCCAAGATTCAGCAGTTTCTCAGAGCTCTGGGTAAGCATTGCAGTATCAATAAA-3'
Protein context (NP_001106849.1, residues 912-932): LQKIFSAVQQ[Phe922Leu]YQPKIQQFLR

ClinVar aggregate classification (germline): Uncertain significance (1 of 4 stars; one submission).

Conditions:
Fanconi anemia (FA). Also called: Fanconi's anemia. Identifiers: Orphanet 84, MedGen C0015625, MeSH D005199, MONDO:0019391.

Allele frequency attached by ClinVar (database versions not stated): gnomAD exomes below 0.00001.
gnomAD v4.1: 2 of 1,614,036 alleles (0.00012%); highest among the groups gnomAD compares: Non-Finnish European, 0.00017%; no homozygotes.

Submission:

Labcorp Genetics (formerly Invitae), Labcorp
Classification: Uncertain significance for Fanconi anemia. Last evaluated: 2022-10-17. Review status: criteria provided, single submitter. Criteria: Invitae Variant Classification Sherloc (09022015). Collection method: clinical testing. Allele origin: germline.
Comment: In summary, the available evidence is currently insufficient to determine the role of this variant in disease. Therefore, it has been classified as a Variant of Uncertain Significance. Algorithms developed to predict the effect of missense changes on protein structure and function (SIFT, PolyPhen-2, Align-GVGD) all suggest that this variant is likely to be tolerated. ClinVar contains an entry for this variant (Variation ID: 1472029). This variant has not been reported in the literature in individuals affected with FANCI-related conditions. This variant is not present in population databases (gnomAD no frequency). This sequence change replaces phenylalanine, which is neutral and non-polar, with leucine, which is neutral and non-polar, at codon 922 of the FANCI protein (p.Phe922Leu).